The following is an entry in ClinVar:

Single allele

Genes: ZDHHC11 (zDHHC palmitoyltransferase 11; minus strand), LOC129993568 (ATAC-STARR-seq lymphoblastoid active region 22302; plus strand). Cytogenetic location: 5p15.33.
Variant type: Deletion.
Identifiers: ClinVar variation 156951 (VCV000156951.2).

ClinVar aggregate classification (germline): not provided (0 of 4 stars; one submission).

Conditions:
Small for gestational age. Also called: Low birth weight. Identifiers: MedGen C0235991, HP:0001518.

Submission:

Institute of Molecular and Cell Biology, University of Tartu
No classification provided. Condition: Small for gestational age. Review status: no classification provided. Collection method: case-control. Allele origin: unknown. Affected: yes. Study: Kasak2014.
Comment: The study aimed to determine the contribution of copy number variants in the genetic etiology of normal and complicated pregnancies. The samples represented (i) maternal blood DNA drawn from healthy pregnant women during 1st or 2nd trimester and (ii) maternal and paternal blood DNA drawn at term pregnancy cases representing normal and complicated gestations (severe preeclampsia, PE; gestational diabetes, GD; small-for-gestational age newborn, SGA; large-for-gestational age newborn, LGA). We performed CNV calling based on genome-wide genotyping dataset (Illumina HumanOmniExpress-24-v1 BeadChip) by applying three algorithms, QuantiSNP, GADA (Genome Alteration Detection Algorithm) and CNstream in parallel. The acquired CNV calls were merged with HD-CNV (Hotspot Detector for Copy Number Variants) program and only the CNVs predicted by at least two programs, were considered in subsequent analysis.

Literature cited by the submitters: PubMed 25666259.